The following is an entry in ClinVar:

NM_006182.4(DDR2):c.1417C>T (p.Arg473Cys)

Gene: DDR2 (discoidin domain receptor tyrosine kinase 2; plus strand). Cytogenetic location: 1q23.3.
Variant type: single nucleotide variant.
Coding change: c.1417C>T on transcript NM_006182.4 (MANE Select); coding-DNA position 1417, C replaced by T.
Protein change: p.Arg473Cys; replaces arginine 473 with cysteine.
Molecular consequence: missense variant.
Genome position (GRCh38, 1-based): chr1:162,770,425, C>T. VCF-style: chr1-162770425-C-T. GRCh37 (hg19) VCF-style: chr1-162740215-C-T.
Other names: c.1417C>T, p.Arg473Cys (NM_001014796.3, NM_001354982.2, NM_001354983.2); short protein forms R473C.
Identifiers: ClinVar variation 1064373 (VCV001064373.5), dbSNP rs771675675, ClinGen allele CA1217514.

ClinVar aggregate classification (germline): Uncertain significance (1 of 4 stars; one submission).

Allele frequency attached by ClinVar (database versions not stated): gnomAD 0.00001; ExAC 0.00002; gnomAD exomes 0.00003.
gnomAD v4.1: 26 of 1,613,952 alleles (0.0016%); highest among the groups gnomAD compares: South Asian, 0.016%; no homozygotes.

Submission:

Labcorp Genetics (formerly Invitae), Labcorp
Classification: Uncertain significance. Last evaluated: 2022-08-09. Review status: criteria provided, single submitter. Criteria: Invitae Variant Classification Sherloc (09022015). Collection method: clinical testing. Allele origin: germline.
Comment: In summary, the available evidence is currently insufficient to determine the role of this variant in disease. Therefore, it has been classified as a Variant of Uncertain Significance. Algorithms developed to predict the effect of missense changes on protein structure and function are either unavailable or do not agree on the potential impact of this missense change (SIFT: "Deleterious"; PolyPhen-2: "Possibly Damaging"; Align-GVGD: "Class C0"). ClinVar contains an entry for this variant (Variation ID: 1064373). This variant has not been reported in the literature in individuals affected with DDR2-related conditions. This variant is present in population databases (rs771675675, gnomAD 0.01%). This sequence change replaces arginine, which is basic and polar, with cysteine, which is neutral and slightly polar, at codon 473 of the DDR2 protein (p.Arg473Cys).